The following is an entry in ClinVar:

ClinVar aggregate classification (germline): Uncertain significance (1 of 4 stars; one submission).

Conditions:
Immunodeficiency 35 (IMD35). Also called: TYK2 DEFICIENCY; HIES WITH ATYPICAL MYCOBACTERIOSIS, AUTOSOMAL RECESSIVE; HYPER-IgE SYNDROME WITH ATYPICAL MYCOBACTERIOSIS, AUTOSOMAL RECESSIVE; Susceptibility to infection due to TYK2 deficiency. Identifiers: Orphanet 331226, MedGen C1969086, MONDO:0012682, OMIM 611521.

Allele frequency attached by ClinVar (database versions not stated): TOPMed below 0.00001; gnomAD exomes 0.00001.
gnomAD v4.1: 7 of 1,610,584 alleles (0.00043%); highest among the groups gnomAD compares: Non-Finnish European, 0.00059%; no homozygotes.

Submission:

Labcorp Genetics (formerly Invitae), Labcorp
Classification: Uncertain significance for Immunodeficiency 35. Last evaluated: 2023-10-23. Review status: criteria provided, single submitter. Criteria: Invitae Variant Classification Sherloc (09022015). Collection method: clinical testing. Allele origin: germline.
Comment: This sequence change replaces proline, which is neutral and non-polar, with leucine, which is neutral and non-polar, at codon 216 of the TYK2 protein (p.Pro216Leu). This variant is not present in population databases (gnomAD no frequency). This variant has not been reported in the literature in individuals affected with TYK2-related conditions. Advanced modeling of protein sequence and biophysical properties (such as structural, functional, and spatial information, amino acid conservation, physicochemical variation, residue mobility, and thermodynamic stability) performed at Invitae indicates that this missense variant is expected to disrupt TYK2 protein function with a positive predictive value of 80%. In summary, the available evidence is currently insufficient to determine the role of this variant in disease. Therefore, it has been classified as a Variant of Uncertain Significance.

NM_003331.5(TYK2):c.647C>T (p.Pro216Leu)

Gene: TYK2 (tyrosine kinase 2; minus strand). Cytogenetic location: 19p13.2.
Variant type: single nucleotide variant.
Coding change: c.647C>T on transcript NM_003331.5 (MANE Select); coding-DNA position 647, C replaced by T.
Protein change: p.Pro216Leu; replaces proline 216 with leucine.
Molecular consequence: missense variant. On other transcripts: intron variant (1).
Genome position (GRCh38, 1-based): chr19:10,365,881, G>A on the plus strand (C>T on the coding strand, the complement: TYK2 is on the minus strand). VCF-style: chr19-10365881-G-A. GRCh37 (hg19) VCF-style: chr19-10476557-G-A.
Other names: c.647C>T, p.Pro216Leu (NM_001385197.1, NM_001385198.1, NM_001385199.1 and 8 more transcripts); c.630-73C>T (NM_001385205.1); short protein forms P216L.
Identifiers: ClinVar variation 3019817 (VCV003019817.3), dbSNP rs1258866138, ClinGen allele CA404017399.